The following is an entry in ClinVar:

NM_001348768.2(HECW2):c.2812C>T (p.Pro938Ser)

Gene: HECW2 (HECT, C2 and WW domain containing E3 ubiquitin protein ligase 2; minus strand). Cytogenetic location: 2q32.3.
Variant type: single nucleotide variant.
Coding change: c.2812C>T on transcript NM_001348768.2 (MANE Select); coding-DNA position 2812, C replaced by T.
Protein change: p.Pro938Ser; replaces proline 938 with serine.
Molecular consequence: missense variant.
Genome position (GRCh38, 1-based): chr2:196,306,490, G>A on the plus strand (C>T on the coding strand, the complement: HECW2 is on the minus strand). VCF-style: chr2-196306490-G-A. GRCh37 (hg19) VCF-style: chr2-197171214-G-A.
Other names: c.1744C>T, p.Pro582Ser (NM_001304840.3); c.2812C>T, p.Pro938Ser (NM_020760.4); short protein forms P582S, P938S.
Identifiers: ClinVar variation 845287 (VCV000845287.2), dbSNP rs1033374992, ClinGen allele CA62774217.

ClinVar aggregate classification (germline): Conflicting classifications of pathogenicity. Review status: criteria provided, conflicting classifications (1 of 4 stars). 2 submissions from 2 submitters: Uncertain significance (1); Likely benign (1). Last evaluated 2024-11-05.

Allele frequency attached by ClinVar (database versions not stated): TOPMed below 0.00001; gnomAD 0.00001.
gnomAD v4.1: 3 of 1,608,400 alleles (0.00019%); highest among the groups gnomAD compares: Admixed American, 0.0017%; no homozygotes.

Submissions (2):

Blueprint Genetics
Classification: Likely benign. Last evaluated: 2024-11-05. Review status: criteria provided, single submitter. Criteria: ACMG Guidelines, 2015. Collection method: clinical testing. Allele origin: germline.

Labcorp Genetics (formerly Invitae), Labcorp
Classification: Uncertain significance. Last evaluated: 2020-01-08. Review status: criteria provided, single submitter. Criteria: Invitae Variant Classification Sherloc (09022015). Collection method: clinical testing. Allele origin: germline.
Comment: This sequence change replaces proline with serine at codon 938 of the HECW2 protein (p.Pro938Ser). The proline residue is moderately conserved and there is a moderate physicochemical difference between proline and serine. This variant is not present in population databases (ExAC no frequency). This variant has not been reported in the literature in individuals with HECW2-related conditions. Algorithms developed to predict the effect of missense changes on protein structure and function are either unavailable or do not agree on the potential impact of this missense change (SIFT: "Tolerated"; PolyPhen-2: "Possibly Damaging"; Align-GVGD: "Class C0"). In summary, the available evidence is currently insufficient to determine the role of this variant in disease. Therefore, it has been classified as a Variant of Uncertain Significance.